The following is an entry in ClinVar:

NM_001854.4(COL11A1):c.5386G>A (p.Gly1796Arg)

Gene: COL11A1 (collagen type XI alpha 1 chain; minus strand). Cytogenetic location: 1p21.1.
Variant type: single nucleotide variant.
Coding change: c.5386G>A on transcript NM_001854.4 (MANE Select); coding-DNA position 5386, G replaced by A.
Protein change: p.Gly1796Arg; replaces glycine 1796 with arginine.
Molecular consequence: missense variant. On other transcripts: non-coding transcript variant (1).
Genome position (GRCh38, 1-based): chr1:102,878,054, C>T on the plus strand (G>A on the coding strand, the complement: COL11A1 is on the minus strand). VCF-style: chr1-102878054-C-T. GRCh37 (hg19) VCF-style: chr1-103343610-C-T.
Other names: c.5269G>A, p.Gly1757Arg (NM_001190709.2); c.5422G>A, p.Gly1808Arg (NM_080629.3); c.5038G>A, p.Gly1680Arg (NM_080630.4); short protein forms G1757R, G1796R, G1680R, G1808R.
Identifiers: ClinVar variation 1047474 (VCV001047474.12), dbSNP rs925433052, ClinGen allele CA28150658.

ClinVar aggregate classification (germline): Uncertain significance. Review status: criteria provided, multiple submitters, no conflicts (2 of 4 stars). 3 submissions from 3 submitters: Uncertain significance (3). Last evaluated 2025-04-28.

Conditions:
Marshall syndrome (MRSHS). Identifiers: Orphanet 560, MedGen C0265235, MONDO:0007949, OMIM 154780.
Fibrochondrogenesis 1 (FBCG1). Identifiers: Orphanet 2021, MedGen C3278138, MONDO:0009226, OMIM 228520.
Hearing loss, autosomal dominant 37. Also called: DEAFNESS, AUTOSOMAL DOMINANT 37. Identifiers: MedGen C4760307, MONDO:0032802, OMIM 618533.
Intervertebral disc disorder (IDD). Also called: INTERVERTEBRAL DISC DISEASE; Lumbar disk degenerative disorder. Identifiers: MedGen C0158252, MONDO:0044339, OMIM 603932.
Stickler syndrome type 2 (STL2). Also called: STICKLER SYNDROME, TYPE II; STICKLER SYNDROME, BEADED VITREOUS TYPE; STICKLER SYNDROME, VITREOUS TYPE 2; COL11A1-Related Stickler Syndrome. Identifiers: Orphanet 828, Orphanet 90654, MedGen C1858084, MONDO:0011493, OMIM 604841.

Allele frequency attached by ClinVar (database versions not stated): gnomAD 0.00001 and 0.00002; gnomAD exomes 0.00001; TOPMed 0.00003.
gnomAD v4.1: 22 of 1,613,518 alleles (0.0014%); highest among the groups gnomAD compares: Middle Eastern, 0.017%; no homozygotes.

Submissions (3):

Labcorp Genetics (formerly Invitae), Labcorp
Classification: Uncertain significance. Last evaluated: 2025-04-28. Review status: criteria provided, single submitter. Criteria: Invitae Variant Classification Sherloc (09022015). Collection method: clinical testing. Allele origin: germline.
Comment: This sequence change replaces glycine, which is neutral and non-polar, with arginine, which is basic and polar, at codon 1796 of the COL11A1 protein (p.Gly1796Arg). This variant is present in population databases (no rsID available, gnomAD 0.006%). This variant has not been reported in the literature in individuals affected with COL11A1-related conditions. ClinVar contains an entry for this variant (Variation ID: 1047474). Invitae Evidence Modeling of protein sequence and biophysical properties (such as structural, functional, and spatial information, amino acid conservation, physicochemical variation, residue mobility, and thermodynamic stability) has been performed for this missense variant. However, the output from this modeling did not meet the statistical confidence thresholds required to predict the impact of this variant on COL11A1 protein function. In summary, the available evidence is currently insufficient to determine the role of this variant in disease. Therefore, it has been classified as a Variant of Uncertain Significance.

GeneDx
Classification: Uncertain significance. Last evaluated: 2022-11-14. Review status: criteria provided, single submitter. Criteria: GeneDx Variant Classification Process June 2021. Collection method: clinical testing. Allele origin: germline. Affected: yes.
Comment: Has not been previously published as pathogenic or benign to our knowledge; Not observed at a significant frequency in large population cohorts (gnomAD); In silico analysis supports that this missense variant has a deleterious effect on protein structure/function; Not located in the triple helical region, where the majority of pathogenic missense variants occur (HGMD); This variant is associated with the following publications: (PMID: 25240749)

Fulgent Genetics
Classification: Uncertain significance for Marshall syndrome; Fibrochondrogenesis 1; Intervertebral disc disorder; Stickler syndrome type 2; Hearing loss, autosomal dominant 37. Last evaluated: 2021-08-07. Review status: criteria provided, single submitter. Criteria: ACMG Guidelines, 2015. Collection method: clinical testing. Allele origin: unknown.